The following is an entry in ClinVar:

NM_000489.6(ATRX):c.6169G>C (p.Ala2057Pro)

Gene: ATRX (ATRX chromatin remodeler; minus strand). Cytogenetic location: Xq21.1.
Variant type: single nucleotide variant.
Coding change: c.6169G>C on transcript NM_000489.6 (MANE Select); coding-DNA position 6169, G replaced by C.
Protein change: p.Ala2057Pro; replaces alanine 2057 with proline.
Molecular consequence: missense variant.
Genome position (GRCh38, 1-based): chrX:77,589,882, C>G on the plus strand (G>C on the coding strand, the complement: ATRX is on the minus strand). VCF-style: chrX-77589882-C-G. GRCh37 (hg19) VCF-style: chrX-76845352-C-G.
Other names: c.6055G>C, p.Ala2019Pro (NM_138270.5); short protein forms A2019P, A2057P.
Identifiers: ClinVar variation 1700865 (VCV001700865.2), dbSNP rs2148089567, ClinGen allele CA413702403.

ClinVar aggregate classification (germline): Uncertain significance (1 of 4 stars; one submission).

gnomAD v4.1: 1 of 1,210,120 alleles (0.000083%); highest among the groups gnomAD compares: Non-Finnish European, 0.00011%; no homozygotes.

Submission:

GeneDx
Classification: Uncertain significance. Last evaluated: 2022-02-15. Review status: criteria provided, single submitter. Criteria: GeneDx Variant Classification Process June 2021. Collection method: clinical testing. Allele origin: germline. Affected: yes.
Comment: Not observed at significant frequency in large population cohorts (gnomAD); In silico analysis supports that this missense variant has a deleterious effect on protein structure/function; Has not been previously published as pathogenic or benign to our knowledge